The following is an entry in ClinVar:

NM_178857.6(RP1L1):c.671C>A (p.Ala224Asp)

Gene: RP1L1 (RP1 like 1). Cytogenetic location: 8p23.1.
Variant type: single nucleotide variant.
Coding change: c.671C>A on transcript NM_178857.6 (MANE Select); coding-DNA position 671, C replaced by A.
Protein change: p.Ala224Asp; replaces alanine 224 with aspartic acid.
Molecular consequence: missense variant.
Genome position (GRCh38, 1-based): chr8:10,616,526, G>T on the plus strand (C>A on the coding strand, the complement: RP1L1 is on the minus strand). VCF-style: chr8-10616526-G-T. GRCh37 (hg19) VCF-style: chr8-10474036-G-T.
Other names: short protein forms A224D.
Identifiers: ClinVar variation 1446286 (VCV001446286.8), dbSNP rs757526920, ClinGen allele CA370299189.
Genomic context (GRCh38, chr8:10,616,526, plus strand): 5'-AGCCCAGATAAAGTTTCAGCCTCGCTTCTCCTGGCATTTTTCATGGCTGGGGTTCTGAAG[G>T]CCTCATGCCCGGCACACACCAGCACAGAGGGGCTGTGCAGCAGGGCCTGCAGCGAGTCCA-3'
Protein context (NP_849188.4, residues 214-234): PSVLVCAGHE[Ala224Asp]FRTPAMKNAR

ClinVar aggregate classification (germline): Uncertain significance (1 of 4 stars; one submission).

Allele frequency attached by ClinVar (database versions not stated): gnomAD 0.00001; TOPMed 0.00001.

Submission:

Labcorp Genetics (formerly Invitae), Labcorp
Classification: Uncertain significance. Last evaluated: 2023-10-05. Review status: criteria provided, single submitter. Criteria: Invitae Variant Classification Sherloc (09022015). Collection method: clinical testing. Allele origin: germline.
Comment: This sequence change replaces alanine, which is neutral and non-polar, with aspartic acid, which is acidic and polar, at codon 224 of the RP1L1 protein (p.Ala224Asp). This variant is present in population databases (no rsID available, gnomAD 0.003%). This variant has not been reported in the literature in individuals affected with RP1L1-related conditions. ClinVar contains an entry for this variant (Variation ID: 1446286). Advanced modeling of protein sequence and biophysical properties (such as structural, functional, and spatial information, amino acid conservation, physicochemical variation, residue mobility, and thermodynamic stability) performed at Invitae indicates that this missense variant is not expected to disrupt RP1L1 protein function. In summary, the available evidence is currently insufficient to determine the role of this variant in disease. Therefore, it has been classified as a Variant of Uncertain Significance.